The following is an entry in ClinVar:

ClinVar aggregate classification (germline): Likely pathogenic. Review status: criteria provided, multiple submitters, no conflicts (2 of 4 stars). 3 submissions from 3 submitters: Likely pathogenic (3). Last evaluated 2026-02-24.

Conditions:
DNAH11-related disorder. Also called: DNAH11-related condition.
Primary ciliary dyskinesia. Also called: Ciliary dyskinesia. Identifiers: Orphanet 244, MedGen C0008780, MONDO:0016575, HP:0012265.

Allele frequency attached by ClinVar (database versions not stated): gnomAD exomes below 0.00001; TOPMed below 0.00001; gnomAD 0.00001.
gnomAD v4.1: 7 of 1,606,904 alleles (0.00044%); highest among the groups gnomAD compares: Non-Finnish European, 0.00059%; no homozygotes.

Submissions (3):

GeneDx
Classification: Likely pathogenic. Last evaluated: 2026-02-24. Review status: criteria provided, single submitter. Criteria: GeneDx Variant Classification Process June 2021. Collection method: clinical testing. Allele origin: germline.
Comment: Canonical splice site variant predicted to result in a null allele in a gene for which loss of function is a known mechanism of disease; Not observed at significant frequency in large population cohorts (gnomAD); Has not been previously published as pathogenic or benign to our knowledge; This variant is associated with the following publications: (PMID: 31589614)

Labcorp Genetics (formerly Invitae), Labcorp
Classification: Likely pathogenic for Primary ciliary dyskinesia. Last evaluated: 2024-08-06. Review status: criteria provided, single submitter. Criteria: Invitae Variant Classification Sherloc (09022015). Collection method: clinical testing. Allele origin: germline.
Comment: This sequence change affects a donor splice site in intron 28 of the DNAH11 gene. It is expected to disrupt RNA splicing. Variants that disrupt the donor or acceptor splice site typically lead to a loss of protein function (PMID: 16199547), and loss-of-function variants in DNAH11 are known to be pathogenic (PMID: 18022865, 20513915, 22184204). This variant is present in population databases (no rsID available, gnomAD 0.007%). This variant has not been reported in the literature in individuals affected with DNAH11-related conditions. ClinVar contains an entry for this variant (Variation ID: 238923). Algorithms developed to predict the effect of sequence changes on RNA splicing suggest that this variant may disrupt the consensus splice site. In summary, the currently available evidence indicates that the variant is pathogenic, but additional data are needed to prove that conclusively. Therefore, this variant has been classified as Likely Pathogenic.

PreventionGenetics, part of Exact Sciences
Classification: Likely pathogenic for DNAH11-related condition. Last evaluated: 2023-07-18. Review status: criteria provided, single submitter. Criteria: ACMG Guidelines, 2015. Collection method: clinical testing. Allele origin: germline.
Comment: The DNAH11 c.4944+1G>A variant is predicted to disrupt the GT donor site and interfere with normal splicing. This variant has not been reported in the literature in individuals with DNAH11-related disease; however, variants that disrupt the consensus splice donor site in DNAH11 are expected to be pathogenic. This variant is reported in 0.0065% of alleles in individuals of European (non-Finnish) descent in gnomAD. This variant is interpreted as likely pathogenic.

Literature cited by the submitters: PubMed 16199547 (cited by Labcorp Genetics (formerly Invitae), Labcorp); PubMed 18022865 (cited by Labcorp Genetics (formerly Invitae), Labcorp); PubMed 20513915 (cited by Labcorp Genetics (formerly Invitae), Labcorp); PubMed 22184204 (cited by Labcorp Genetics (formerly Invitae), Labcorp).

NM_001277115.2(DNAH11):c.4944+1G>A

Gene: DNAH11 (dynein axonemal heavy chain 11; plus strand). Cytogenetic location: 7p15.3.
Variant type: single nucleotide variant.
Coding change: c.4944+1G>A on transcript NM_001277115.2 (MANE Select); the canonical splice donor site of the intron after coding-DNA position 4944, G replaced by A.
Molecular consequence: splice donor variant.
Genome position (GRCh38, 1-based): chr7:21,639,066, G>A. VCF-style: chr7-21639066-G-A. GRCh37 (hg19) VCF-style: chr7-21678684-G-A.
Identifiers: ClinVar variation 238923 (VCV000238923.10), dbSNP rs878854444, ClinGen allele CA10582482.